The following is an entry in ClinVar:

NM_005219.5(DIAPH1):c.145-1G>A

Gene: DIAPH1 (diaphanous related formin 1; minus strand). Cytogenetic location: 5q31.3.
Variant type: single nucleotide variant.
Coding change: c.145-1G>A on transcript NM_005219.5 (MANE Select); the canonical splice acceptor site of the intron before coding-DNA position 145, G replaced by A.
Molecular consequence: splice acceptor variant.
Genome position (GRCh38, 1-based): chr5:141,587,198, C>T on the plus strand (G>A on the coding strand, the complement: DIAPH1 is on the minus strand). VCF-style: chr5-141587198-C-T. GRCh37 (hg19) VCF-style: chr5-140966765-C-T.
Other names: c.118-1G>A (NM_001079812.3); c.145-1G>A (NM_001314007.2).
Identifiers: ClinVar variation 1030893 (VCV001030893.9), dbSNP rs763349669, ClinGen allele CA3479671.

ClinVar aggregate classification (germline): Conflicting classifications of pathogenicity. Review status: criteria provided, conflicting classifications (1 of 4 stars). 3 submissions from 3 submitters: Likely pathogenic (2); Uncertain significance (1). Last evaluated 2025-11-20.

Conditions:
DIAPH1-related disorder. Also called: DIAPH1-related condition.
Autosomal dominant nonsyndromic hearing loss 1. Also called: DEAFNESS, AUTOSOMAL DOMINANT 1, WITH OR WITHOUT THROMBOCYTOPENIA; KONIGSMARK SYNDROME. Identifiers: Orphanet 90635, MedGen C1852282, MONDO:0007424, OMIM 124900.
Progressive microcephaly-seizures-cortical blindness-developmental delay syndrome. Also called: Seizures, cortical blindness, and microcephaly syndrome. Identifiers: Orphanet 477814, MedGen C5567650, MONDO:0014714, OMIM 616632.

Allele frequency attached by ClinVar (database versions not stated): gnomAD 0.00001; gnomAD exomes 0.00001 and 0.00005; TOPMed 0.00001; ExAC 0.00003.
gnomAD v4.1: 15 of 1,613,746 alleles (0.00093%); highest among the groups gnomAD compares: Admixed American, 0.023%; no homozygotes.

Submissions (3):

PreventionGenetics, part of Exact Sciences
Classification: Uncertain significance for DIAPH1-related condition. Last evaluated: 2025-11-20. Review status: criteria provided, single submitter. Criteria: ACMG Guidelines, 2015. Collection method: clinical testing. Allele origin: germline.
Comment: The DIAPH1 c.145-1G>A variant is predicted to disrupt the AG splice acceptor site and interfere with normal splicing. To our knowledge, this variant has not been reported in the literature. This variant is reported in 0.037% of alleles in individuals of Latino descent in gnomAD. This variant is interpreted as likely pathogenic in ClinVar by two other labs (Variation ID: 1030893). However, skipping of exon 3 of DIAPH1 would result in an in-frame deletion of <10% of the full protein. Although we suspect that this variant may be pathogenic, at this time, the clinical significance of this variant is uncertain due to the absence of conclusive functional and genetic evidence.

Labcorp Genetics (formerly Invitae), Labcorp
Classification: Likely pathogenic for Progressive microcephaly-seizures-cortical blindness-developmental delay syndrome; Autosomal dominant nonsyndromic hearing loss 1. Last evaluated: 2025-07-09. Review status: criteria provided, single submitter. Criteria: Invitae Variant Classification Sherloc (09022015). Collection method: clinical testing. Allele origin: germline.
Comment: This sequence change affects an acceptor splice site in intron 2 of the DIAPH1 gene. It is expected to disrupt RNA splicing. Variants that disrupt the donor or acceptor splice site typically lead to a loss of protein function (PMID: 16199547), and loss-of-function variants in DIAPH1 are known to be pathogenic (PMID: 24781755, 26463574). This variant is present in population databases (rs763349669, gnomAD 0.04%). This variant has not been reported in the literature in individuals affected with DIAPH1-related conditions. ClinVar contains an entry for this variant (Variation ID: 1030893). Algorithms developed to predict the effect of sequence changes on RNA splicing suggest that this variant may disrupt the consensus splice site. In summary, the currently available evidence indicates that the variant is pathogenic, but additional data are needed to prove that conclusively. Therefore, this variant has been classified as Likely Pathogenic.

Baylor Genetics
Classification: Likely pathogenic for Progressive microcephaly-seizures-cortical blindness-developmental delay syndrome. Last evaluated: 2019-09-05. Review status: criteria provided, single submitter. Criteria: ACMG Guidelines, 2015. Collection method: clinical testing. Allele origin: unknown. Affected: yes.
Comment: This variant was determined to be likely pathogenic according to ACMG Guidelines, 2015 [PMID:25741868].

Literature cited by the submitters: PubMed 16199547 (cited by Labcorp Genetics (formerly Invitae), Labcorp); PubMed 24781755 (cited by Labcorp Genetics (formerly Invitae), Labcorp); PubMed 26463574 (cited by Labcorp Genetics (formerly Invitae), Labcorp).